The following is an entry in ClinVar:

NM_003242.6(TGFBR2):c.625C>A (p.Leu209Ile)

Gene: TGFBR2 (transforming growth factor beta receptor 2; plus strand). Cytogenetic location: 3p24.1.
Variant type: single nucleotide variant.
Coding change: c.625C>A on transcript NM_003242.6 (MANE Select); coding-DNA position 625, C replaced by A.
Protein change: p.Leu209Ile; replaces leucine 209 with isoleucine.
Molecular consequence: missense variant. On other transcripts: intron variant (1).
Genome position (GRCh38, 1-based): chr3:30,671,808, C>A. VCF-style: chr3-30671808-C-A. GRCh37 (hg19) VCF-style: chr3-30713300-C-A.
Other names: c.700C>A, p.Leu234Ile (NM_001024847.3); c.808C>A, p.Leu270Ile (NM_001407126.1); c.733C>A, p.Leu245Ile (NM_001407127.1); c.652C>A, p.Leu218Ile (NM_001407128.1); c.628C>A, p.Leu210Ile (NM_001407129.1); c.625C>A, p.Leu209Ile (NM_001407130.1); c.520C>A, p.Leu174Ile (NM_001407132.1, NM_001407133.1, NM_001407134.1 and 2 more transcripts); c.340C>A, p.Leu114Ile (NM_001407137.1); and 2 more; short protein forms L209I, L210I, L234I, L245I, L114I, L270I, L89I, L174I.
Identifiers: ClinVar variation 2774574 (VCV002774574.4), dbSNP rs1288771489, ClinGen allele CA351807507.

ClinVar aggregate classification (germline): Uncertain significance. Review status: criteria provided, multiple submitters, no conflicts (2 of 4 stars). 2 submissions from 2 submitters: Uncertain significance (2). Last evaluated 2024-09-23.

Conditions:
Loeys-Dietz syndrome 2 (LDS2). Also called: TGFBR2-Related Loeys-Dietz Syndrome; Marfan syndrome, type 2 (formerly); Marfan Syndrome type 2; Marfan like connective tissue disorder; MFS 2; AORTIC ANEURYSM, FAMILIAL THORACIC 3. Identifiers: Orphanet 284973, Orphanet 558, MedGen C2674574, MONDO:0012427, OMIM 610168.
Familial thoracic aortic aneurysm and aortic dissection (TAAD). Also called: Thoracic aortic aneurysms and dissections. Identifiers: Orphanet 91387, MedGen C4707243, MONDO:0019625.

gnomAD v4.1: 4 of 1,614,208 alleles (0.00025%); highest among the groups gnomAD compares: Non-Finnish European, 0.00025%; no homozygotes.

Submissions (2):

All of Us Research Program, National Institutes of Health
Classification: Uncertain significance for Loeys-Dietz syndrome 2. Last evaluated: 2024-09-23. Review status: criteria provided, single submitter. Criteria: ACMG Guidelines, 2015. Collection method: clinical testing. Allele origin: germline. Inheritance: Autosomal dominant inheritance. Observed: 2 variant alleles, 2 heterozygotes.
Comment: This missense variant replaces leucine with isoleucine at codon 209 of the TGFBR2 protein. Computational prediction suggests that this variant may not impact protein structure and function (internally defined REVEL score threshold <= 0.5, PMID: 27666373). To our knowledge, functional studies have not been reported for this variant. This variant has not been reported in individuals affected with cardiovascular disorders in the literature. This variant has not been identified in the general population by the Genome Aggregation Database (gnomAD). The available evidence is insufficient to determine the role of this variant in disease conclusively. Therefore, this variant is classified as a Variant of Uncertain Significance.

This study involves interpretation of variants in research participants for the purpose of population health screening. Participant phenotype was not available at the time of variant classification. Additional details can be found in publication PMID: 35346344, PMCID: PMC8962531

Color Diagnostics, LLC DBA Color Health
Classification: Uncertain significance for Familial thoracic aortic aneurysm and aortic dissection. Last evaluated: 2024-03-07. Review status: criteria provided, single submitter. Criteria: ACMG Guidelines, 2015. Collection method: clinical testing. Allele origin: germline.
Comment: This missense variant replaces leucine with isoleucine at codon 209 of the TGFBR2 protein. Computational prediction suggests that this variant may not impact protein structure and function (internally defined REVEL score threshold <= 0.5, PMID: 27666373). To our knowledge, functional studies have not been reported for this variant. This variant has not been reported in individuals affected with cardiovascular disorders in the literature. This variant has not been identified in the general population by the Genome Aggregation Database (gnomAD). The available evidence is insufficient to determine the role of this variant in disease conclusively. Therefore, this variant is classified as a Variant of Uncertain Significance.